The following is an entry in ClinVar:

ClinVar aggregate classification (germline): Benign/Likely benign. Review status: criteria provided, multiple submitters, no conflicts (2 of 4 stars). 4 submissions from 4 submitters: Benign (2); Likely benign (2). Last evaluated 2026-01-30.

Conditions:
Hereditary cancer-predisposing syndrome. Also called: Hereditary neoplastic syndrome; Tumor predisposition; Hereditary Cancer Syndrome; Neoplastic Syndromes, Hereditary. Identifiers: Orphanet 140162, MedGen C0027672, MeSH D009386, MONDO:0015356.
Renal cell carcinoma. Identifiers: Orphanet 217071, MedGen C0007134, MeSH D002292, MONDO:0005086, HP:0005584.
Papillary renal cell carcinoma type 1 (RCCP1). Also called: Renal adenocarcinoma; Renal cell carcinoma 1; Renal cell carcinoma, somatic; RENAL CELL CARCINOMA, PAPILLARY, 1, SOMATIC. Identifiers: Orphanet 47044, MedGen C1336839, OMIM 605074, HP:0011797.

Allele frequency attached by ClinVar (database versions not stated): gnomAD exomes 0.00001 and 0.00007; TOPMed 0.00003; gnomAD 0.00004; ExAC 0.00006.
gnomAD v4.1: 25 of 1,614,008 alleles (0.0015%); highest among the groups gnomAD compares: East Asian, 0.051%; no homozygotes.

Submissions (4):

Labcorp Genetics (formerly Invitae), Labcorp
Classification: Benign for Renal cell carcinoma. Last evaluated: 2026-01-30. Review status: criteria provided, single submitter. Criteria: Invitae Variant Classification Sherloc (09022015). Collection method: clinical testing. Allele origin: germline.

Myriad Genetics, Inc.
Classification: Benign for Papillary renal cell carcinoma type 1. Last evaluated: 2024-11-07. Review status: criteria provided, single submitter. Criteria: Myriad Autosomal Dominant, Autosomal Recessive and X-Linked Classification Criteria (2023). Collection method: clinical testing. Allele origin: unknown.
Comment: This variant is considered benign. This variant is a silent/synonymous amino acid change and it is not expected to impact splicing.

Blueprint Genetics
Classification: Likely benign. Last evaluated: 2020-09-16. Review status: criteria provided, single submitter. Criteria: ACMG Guidelines, 2015. Collection method: clinical testing. Allele origin: germline.

Ambry Genetics
Classification: Likely benign for Hereditary cancer-predisposing syndrome. Last evaluated: 2015-12-17. Review status: criteria provided, single submitter. Criteria: Ambry Variant Classification Scheme 2023. Collection method: clinical testing. Allele origin: germline.

NM_000245.4(MET):c.1320A>G (p.Thr440=)

Gene: MET (MET proto-oncogene, receptor tyrosine kinase; plus strand). Cytogenetic location: 7q31.2.
Variant type: single nucleotide variant.
Coding change: c.1320A>G on transcript NM_000245.4 (MANE Select); coding-DNA position 1320, A replaced by G.
Protein change: p.Thr440=; no amino-acid change (threonine 440 retained).
Molecular consequence: synonymous variant.
Genome position (GRCh38, 1-based): chr7:116,731,787, A>G. VCF-style: chr7-116731787-A-G. GRCh37 (hg19) VCF-style: chr7-116371841-A-G.
Other names: c.1320A>G, p.Thr440= (NM_001127500.3, NM_001324401.3); c.30A>G, p.Thr10= (NM_001324402.2).
Identifiers: ClinVar variation 358685 (VCV000358685.17), dbSNP rs763726060, ClinGen allele CA4448132.